The following is an entry in ClinVar:

NM_001750.7(CAST):c.1555G>A (p.Ala519Thr)

Gene: CAST (calpastatin; plus strand). Cytogenetic location: 5q15.
Variant type: single nucleotide variant.
Coding change: c.1555G>A on transcript NM_001750.7 (MANE Select); coding-DNA position 1555, G replaced by A.
Protein change: p.Ala519Thr; replaces alanine 519 with threonine.
Molecular consequence: missense variant. On other transcripts: non-coding transcript variant (1).
Genome position (GRCh38, 1-based): chr5:96,754,090, G>A. VCF-style: chr5-96754090-G-A. GRCh37 (hg19) VCF-style: chr5-96089794-G-A.
Other names: c.1432G>A, p.Ala478Thr (NM_001042440.5, NM_001330627.2); c.1498G>A, p.Ala500Thr (NM_001042441.3); c.1489G>A, p.Ala497Thr (NM_001042442.3); c.1306G>A, p.Ala436Thr (NM_001042443.3); c.1183G>A, p.Ala395Thr (NM_001042444.3, NM_001284212.4); c.1201G>A, p.Ala401Thr (NM_001042445.3); c.1144G>A, p.Ala382Thr (NM_001042446.3, NM_001330630.2); c.1267G>A, p.Ala423Thr (NM_001190442.2, NM_001330631.2); and 8 more; short protein forms A417T, A423T, A478T, A500T, A382T, A463T, A491T, A519T.
Identifiers: ClinVar variation 1468874 (VCV001468874.8), dbSNP rs1430827874, ClinGen allele CA360483394.
Genomic context (GRCh38, chr5:96,754,090, plus strand): 5'-TACTTAATATATCCACTAATGCACTTTCAGAAGGGCACAGTGCCAGATGATGCTGTAGAA[G>A]CCTTGGCTGATAGCCTGGGGAAAAAGGAAGCAGATCCAGAAGATGGAAAACCTGTGATGG-3'
Protein context (NP_001741.4, residues 509-529): KGTVPDDAVE[Ala519Thr]LADSLGKKEA

ClinVar aggregate classification (germline): Uncertain significance (1 of 4 stars; one submission).

Allele frequency attached by ClinVar (database versions not stated): gnomAD exomes below 0.00001; TOPMed 0.00003.
gnomAD v4.1: 6 of 1,613,700 alleles (0.00037%); highest among the groups gnomAD compares: East Asian, 0.0045%; no homozygotes.

Submission:

Labcorp Genetics (formerly Invitae), Labcorp
Classification: Uncertain significance. Last evaluated: 2021-06-07. Review status: criteria provided, single submitter. Criteria: Invitae Variant Classification Sherloc (09022015). Collection method: clinical testing. Allele origin: germline.
Comment: This sequence change replaces alanine with threonine at codon 478 of the CAST protein (p.Ala478Thr). The alanine residue is moderately conserved and there is a small physicochemical difference between alanine and threonine. This variant is not present in population databases (ExAC no frequency). This variant has not been reported in the literature in individuals with CAST-related conditions. Algorithms developed to predict the effect of missense changes on protein structure and function output the following: SIFT: "Not Available"; PolyPhen-2: "Probably Damaging"; Align-GVGD: "Not Available". The threonine amino acid residue is found in multiple mammalian species, suggesting that this missense change does not adversely affect protein function. These predictions have not been confirmed by published functional studies and their clinical significance is uncertain. In summary, the available evidence is currently insufficient to determine the role of this variant in disease. Therefore, it has been classified as a Variant of Uncertain Significance.